The following is an entry in ClinVar:

ClinVar aggregate classification (germline): Uncertain significance (1 of 4 stars; one submission).

Allele frequency attached by ClinVar (database versions not stated): gnomAD exomes below 0.00001.
gnomAD v4.1: 1 of 1,613,066 alleles (0.000062%); highest among the groups gnomAD compares: Non-Finnish European, 0.000085%; no homozygotes.

Submission:

Labcorp Genetics (formerly Invitae), Labcorp
Classification: Uncertain significance. Last evaluated: 2022-08-15. Review status: criteria provided, single submitter. Criteria: Invitae Variant Classification Sherloc (09022015). Collection method: clinical testing. Allele origin: germline.
Comment: This sequence change creates a premature translational stop signal (p.Gln145*) in the PIGP gene. While this is not anticipated to result in nonsense mediated decay, it is expected to disrupt the last 14 amino acid(s) of the PIGP protein. This variant is not present in population databases (gnomAD no frequency). This variant has not been reported in the literature in individuals affected with PIGP-related conditions. ClinVar contains an entry for this variant (Variation ID: 1366931). In summary, the available evidence is currently insufficient to determine the role of this variant in disease. Therefore, it has been classified as a Variant of Uncertain Significance.

NM_153682.3(PIGP):c.361C>T (p.Gln121Ter)

Gene: PIGP (phosphatidylinositol glycan anchor biosynthesis class P; minus strand). Cytogenetic location: 21q22.13.
Variant type: single nucleotide variant.
Coding change: c.361C>T on transcript NM_153682.3 (MANE Select); coding-DNA position 361, C replaced by T.
Protein change: p.Gln121Ter; replaces glutamine 121 with a stop codon.
Molecular consequence: nonsense.
Genome position (GRCh38, 1-based): chr21:37,065,626, G>A on the plus strand (C>T on the coding strand, the complement: PIGP is on the minus strand). VCF-style: chr21-37065626-G-A. GRCh37 (hg19) VCF-style: chr21-38437926-G-A.
Other names: c.361C>T, p.Gln121Ter (NM_001320480.2); c.283C>T, p.Gln95Ter (NM_016430.4); c.433C>T, p.Gln145Ter (NM_153681.2); short protein forms Q145*, Q95*, Q121*.
Identifiers: ClinVar variation 1366931 (VCV001366931.6), dbSNP rs2146804114, ClinGen allele CA409918204.
Genomic context (GRCh38, chr21:37,065,626, plus strand): 5'-TATGGTTACACACAGTTCAGTTTTTGGTGTAAAGTTCTTTGGCTGCAAGAAAGAACATTT[G>A]GTTTACTTCACTAATAGAAATATCTCTTAAGGCTGGAATGGCCTCCTCTTGGTATTTCTT-3'